The following is an entry in ClinVar:

NM_000027.4(AGA):c.167C>T (p.Ala56Val)

Gene: AGA (aspartylglucosaminidase; minus strand). Cytogenetic location: 4q34.3.
Variant type: single nucleotide variant.
Coding change: c.167C>T on transcript NM_000027.4 (MANE Select); coding-DNA position 167, C replaced by T.
Protein change: p.Ala56Val; replaces alanine 56 with valine.
Molecular consequence: missense variant. On other transcripts: non-coding transcript variant (1).
Genome position (GRCh38, 1-based): chr4:177,440,387, G>A on the plus strand (C>T on the coding strand, the complement: AGA is on the minus strand). VCF-style: chr4-177440387-G-A. GRCh37 (hg19) VCF-style: chr4-178361541-G-A.
Other names: c.167C>T, p.Ala56Val (NM_001171988.2); short protein forms A56V.
Identifiers: ClinVar variation 1507192 (VCV001507192.5), dbSNP rs758886928, ClinGen allele CA3147001.
Genomic context (GRCh38, chr4:177,440,387, plus strand): 5'-CCAAAGCCTACAGAGCCGTCACACTGCTCTCTCTCACACATGGCACAGCCGCTCTCCACT[G>A]CATCCAGGGCAGAGCCTCCAGATGCTAATGCCCTCCACGCTGTTAATCAAATCCCAATAA-3'
Protein context (NP_000018.2, residues 46-66): ALASGGSALD[Ala56Val]VESGCAMCER

ClinVar aggregate classification (germline): Uncertain significance (1 of 4 stars; one submission).

Conditions:
Aspartylglucosaminuria (AGU). Also called: Aspartylglucos-aminuria; Aspartylglucos-amidase (AGA) deficiency; AGA DEFICIENCY; GLYCOASPARAGINASE; GLYCOSYLASPARAGINASE DEFICIENCY. Identifiers: Orphanet 93, MedGen C0268225, MONDO:0008830, OMIM 208400, HP:0012068.

Allele frequency attached by ClinVar (database versions not stated): ExAC 0.00002; gnomAD exomes 0.00003 and 0.00001; gnomAD 0.00001; TOPMed 0.00001.
gnomAD v4.1: 38 of 1,613,842 alleles (0.0024%); highest among the groups gnomAD compares: Non-Finnish European, 0.0031%; no homozygotes.

Submission:

Labcorp Genetics (formerly Invitae), Labcorp
Classification: Uncertain significance for Aspartylglucosaminuria. Last evaluated: 2024-12-05. Review status: criteria provided, single submitter. Criteria: Invitae Variant Classification Sherloc (09022015). Collection method: clinical testing. Allele origin: germline.
Comment: This sequence change replaces alanine, which is neutral and non-polar, with valine, which is neutral and non-polar, at codon 56 of the AGA protein (p.Ala56Val). This variant is present in population databases (rs758886928, gnomAD 0.003%). This variant has not been reported in the literature in individuals affected with AGA-related conditions. ClinVar contains an entry for this variant (Variation ID: 1507192). Invitae Evidence Modeling of protein sequence and biophysical properties (such as structural, functional, and spatial information, amino acid conservation, physicochemical variation, residue mobility, and thermodynamic stability) indicates that this missense variant is expected to disrupt AGA protein function with a positive predictive value of 80%. In summary, the available evidence is currently insufficient to determine the role of this variant in disease. Therefore, it has been classified as a Variant of Uncertain Significance.